The following is an entry in ClinVar:

ClinVar aggregate classification (germline): Pathogenic. Review status: criteria provided, multiple submitters, no conflicts (2 of 4 stars). 10 submissions from 10 submitters: Pathogenic (9). 1 of the submissions does not count toward it. Last evaluated 2026-07-21.

Conditions:
Autosomal recessive CEP290-related disorders.
Nephronophthisis. Also called: Juvenile Nephronophthisis. Identifiers: Orphanet 655, MedGen C0687120, MONDO:0019005, HP:0000090.
Meckel-Gruber syndrome. Also called: DYSENCEPHALIA SPLANCHNOCYSTICA; GRUBER SYNDROME; Dysencephalia splachnocystica. Identifiers: Orphanet 564, MedGen C0265215, MONDO:0018921.
Joubert syndrome. Also called: Familial aplasia of the vermis; JOUBERT-BOLTSHAUSER SYNDROME. Identifiers: Orphanet 475, MedGen C5979921, MONDO:0018772.
CEP290-related disorder. Also called: CEP290-related condition; CEP290-related disorders. Identifiers: MedGen CN239314.
Retinal dystrophy. Also called: Inherited retinal dystrophy. Identifiers: Orphanet 71862, MedGen C0854723, MeSH D058499, MONDO:0019118, HP:0000556.
Bardet-Biedl syndrome 14 (BBS14). Identifiers: Orphanet 110, MedGen C2673874, MONDO:0014442, OMIM 615991.
Leber congenital amaurosis 10 (LCA10). Identifiers: Orphanet 65, MedGen C1857821, MONDO:0012723, OMIM 611755.
Joubert syndrome 5 (JBTS5). Identifiers: Orphanet 2318, MedGen C1857780, MONDO:0012432, OMIM 610188.
Senior-Loken syndrome 6 (SLSN6). Identifiers: Orphanet 3156, MedGen C1857779, MONDO:0012433, OMIM 610189.
Meckel syndrome, type 4 (MKS4). Also called: MECKEL-GRUBER SYNDROME, TYPE 4. Identifiers: Orphanet 564, MedGen C1970161, MONDO:0012626, OMIM 611134.
Leber congenital amaurosis (LCA). Also called: Leber's amaurosis. Identifiers: Orphanet 65, MedGen C0339527, MeSH D057130, MONDO:0018998.

Submissions (10):

PreventionGenetics, part of Exact Sciences
Classification: Pathogenic for CEP290-related condition. Last evaluated: 2026-07-21. Review status: criteria provided, single submitter. Criteria: ACMG Guidelines, 2015. Collection method: clinical testing. Allele origin: germline.
Comment: The CEP290 c.2052+1_2052+2delGT variant is predicted to result in a deletion affecting a canonical splice site. This variant was reported along with a second pathogenic variant in individuals with non-syndromic Leber congenital amaurosis and in one patient with Joubert syndrome (Wang et al. 2013. PubMed ID: 23847139; Sallum et al. 2020. PubMed ID: 32865313). This variant is reported in 0.0051% of alleles in individuals of European (Non-Finnish) descent in gnomAD. Variants that disrupt splicing in CEP290 are expected to be pathogenic. This variant is interpreted as pathogenic.

Natera, Inc.
Classification: Pathogenic for Leber congenital amaurosis. Last evaluated: 2025-12-31. Review status: criteria provided, single submitter. Criteria: Natera Variant Classification Schema (03/2026). Collection method: clinical testing. Allele origin: germline.
Comment: The c.2052+1_2052+2delGT variant in CEP290 is a canonical splice donor site variant predicted to affect pre-mRNA splicing, which may result in an abnormal transcript and altered protein product. This variant is expected to result in nonsense mediated decay, truncation, or a dysfunctional protein product. This variant is rare in the general population with a frequency below the threshold expected for the associated phenotype(s). This variant has been observed in one or more individuals affected with the associated recessive disease, as either homozygous or compound heterozygous with a second variant (PMID: 23847139, 27208204). Given the available evidence, this variant is classified as Pathogenic.

Labcorp Genetics (formerly Invitae), Labcorp
Classification: Pathogenic for Joubert syndrome; Meckel-Gruber syndrome; Nephronophthisis. Last evaluated: 2025-08-05. Review status: criteria provided, single submitter. Criteria: Invitae Variant Classification Sherloc (09022015). Collection method: clinical testing. Allele origin: germline.
Comment: This sequence change affects a splice site in intron 20 of the CEP290 gene. It is expected to disrupt RNA splicing. Variants that disrupt the donor or acceptor splice site typically lead to a loss of protein function (PMID: 16199547), and loss-of-function variants in CEP290 are known to be pathogenic (PMID: 16909394, 17345604, 20690115). This variant is present in population databases (rs747835249, gnomAD 0.005%). Disruption of this splice site has been observed in individuals with Leber congenital amaurosis (LCA) (PMID: 23847139, 28510626, 28660274). ClinVar contains an entry for this variant (Variation ID: 236466). Algorithms developed to predict the effect of sequence changes on RNA splicing suggest that this variant may disrupt the consensus splice site. For these reasons, this variant has been classified as Pathogenic.

Variantyx, Inc.
Classification: Pathogenic for Autosomal recessive CEP290-related disorders. Last evaluated: 2025-04-19. Review status: criteria provided, single submitter. Criteria: Variantyx Assertion Criteria 2022. Collection method: clinical testing. Allele origin: germline. Inheritance: Autosomal recessive inheritance. Affected: yes.
Comment: This is a canonical splicing variant in the CEP290 gene (OMIM: 610142). Pathogenic variants in this gene have been associated with autosomal recessive CEP290-related disorders. This splicing variant is expected to result in loss of function, which is a known disease mechanism for CEP290 in hese disorders (PMID: 27336129, 20690115) (PVS1). It has a 0.0052% maximum allele frequency in non-founder control populations (PM2). Based on the current evidence, this variant is classified as pathogenic for autosomal recessive CEP290-related disorders.

Blueprint Genetics
Classification: Pathogenic for CEP290-related disorders. Last evaluated: 2024-07-22. Review status: criteria provided, single submitter. Criteria: ACMG Guidelines, 2015. Collection method: clinical testing. Allele origin: germline. Affected: yes. Observed: 5 variant alleles.

Fulgent Genetics
Classification: Pathogenic for Joubert syndrome 5; Senior-Loken syndrome 6; Meckel syndrome, type 4; Leber congenital amaurosis 10; Bardet-Biedl syndrome 14. Last evaluated: 2024-06-15. Review status: criteria provided, single submitter. Criteria: ACMG Guidelines, 2015. Collection method: clinical testing. Allele origin: germline.

Baylor Genetics
Classification: Pathogenic for Bardet-Biedl syndrome 14. Last evaluated: 2024-03-07. Review status: criteria provided, single submitter. Criteria: ACMG Guidelines, 2015. Collection method: clinical testing. Allele origin: unknown.

GeneDx
Classification: Pathogenic. Last evaluated: 2023-11-22. Review status: criteria provided, single submitter. Criteria: GeneDx Variant Classification Process June 2021. Collection method: clinical testing. Allele origin: germline. Affected: yes.
Comment: Canonical splice site variant predicted to result in a null allele in a gene for which loss of function is a known mechanism of disease; Not observed at significant frequency in large population cohorts (gnomAD); This variant is associated with the following publications: (PMID: 31589614, 27535533, 23847139, 32865313)

Eurofins Ntd Llc (ga)
Classification: Pathogenic. Last evaluated: 2016-06-05. Review status: criteria provided, single submitter. Criteria: EGL Classification Definitions 2015. Collection method: clinical testing. Allele origin: germline. Observed: 2 variant alleles, 2 heterozygotes.

Centre for Genomic Medicine, Manchester, Central Manchester University Hospitals
Classification: Likely pathogenic for Retinal dystrophy. Review status: no assertion criteria provided. Collection method: clinical testing. Allele origin: germline. Affected: yes. Not counted in ClinVar's aggregate classification.

Literature cited by the submitters: PubMed 23847139 (cited by 4 submitters); PubMed 27208204 (cited by Natera, Inc.); PubMed 16199547 (cited by Labcorp Genetics (formerly Invitae), Labcorp); PubMed 16909394 (cited by Labcorp Genetics (formerly Invitae), Labcorp); PubMed 17345604 (cited by Labcorp Genetics (formerly Invitae), Labcorp); PubMed 20690115 (cited by Labcorp Genetics (formerly Invitae), Labcorp and Variantyx, Inc.); PubMed 28510626 (cited by Labcorp Genetics (formerly Invitae), Labcorp); PubMed 28660274 (cited by Labcorp Genetics (formerly Invitae), Labcorp and Variantyx, Inc.); PubMed 27336129 (cited by Variantyx, Inc.); PubMed 32865313 (cited by Variantyx, Inc.).

NM_025114.4(CEP290):c.2052+1_2052+2del

Gene: CEP290 (centrosomal protein 290; minus strand). Cytogenetic location: 12q21.32.
Variant type: Deletion.
Coding change: c.2052+1_2052+2del on transcript NM_025114.4 (MANE Select); the canonical splice donor site of the intron after coding-DNA position 2052, 2 bases deleted (GT; older notation c.2052+1_2052+2delGT).
Molecular consequence: splice donor variant.
Genome position (GRCh38, 1-based): chr12:88,114,418-88,114,419, AC deleted on the plus strand (GT on the coding strand, the reverse complement: CEP290 is on the minus strand); deleting any 2 consecutive bases within chr12:88,114,418-88,114,420 gives the same sequence; the c. name uses the placement nearest the transcript's 3' end. VCF-style (leftmost placement, unchanged base first): chr12-88114417-TAC-T. GRCh37 (hg19) VCF-style: chr12-88508194-TAC-T.
Other names: c.2052+1_2052+2delGT (NM_025114.3, NM_025114.4).
Identifiers: ClinVar variation 236466 (VCV000236466.27), dbSNP rs747835249, ClinGen allele CA6712419.
Genomic context (GRCh38, chr12:88,114,417, plus strand): 5'-ACACAGCAGAAAATCTCTCTAAAGTGATAGGGGAAAAACATTAACATGAAAAAAATAACT[TAC>T]ATTAACTAGTCTTTCAAGGCTAGGGATAATTAGAGATGTTTCTCCTCCTTTAACATCAGG-3'